The following is an entry in ClinVar:

ClinVar aggregate classification (germline): Uncertain significance. Review status: criteria provided, multiple submitters, no conflicts (2 of 4 stars). 2 submissions from 2 submitters: Uncertain significance (2). Last evaluated 2026-04-28.

Conditions:
POLD1-related polyposis and colorectal cancer syndrome (CRCS10). Also called: Colorectal cancer, susceptibility to, 10; Colorectal cancer 10; COLORECTAL CANCER, SUSCEPTIBILITY TO, ON CHROMOSOME 19q. Identifiers: Orphanet 220460, MedGen C2675481, MONDO:0012953, OMIM 612591.
Hereditary cancer-predisposing syndrome. Also called: Neoplastic Syndromes, Hereditary; Tumor predisposition; Hereditary Cancer Syndrome; Hereditary neoplastic syndrome. Identifiers: Orphanet 140162, MedGen C0027672, MeSH D009386, MONDO:0015356.

gnomAD v4.1: 1 of 1,610,032 alleles (0.000062%); no homozygotes.

Submissions (2):

Ambry Genetics
Classification: Uncertain significance for Hereditary cancer-predisposing syndrome. Last evaluated: 2026-04-28. Review status: criteria provided, single submitter. Criteria: Ambry Variant Classification Scheme 2023. Collection method: clinical testing. Allele origin: germline.
Comment: The p.K1083E variant (also known as c.3247A>G), located in coding exon 26 of the POLD1 gene, results from an A to G substitution at nucleotide position 3247. The lysine at codon 1083 is replaced by glutamic acid, an amino acid with similar properties. This amino acid position is conserved. In addition, this alteration is predicted to be tolerated by in silico analysis. Based on the available evidence, the clinical significance of this variant remains unclear.

Labcorp Genetics (formerly Invitae), Labcorp
Classification: Uncertain significance for POLD1-related polyposis and colorectal cancer syndrome. Last evaluated: 2022-01-17. Review status: criteria provided, single submitter. Criteria: Invitae Variant Classification Sherloc (09022015). Collection method: clinical testing. Allele origin: germline.
Comment: This sequence change replaces lysine, which is basic and polar, with glutamic acid, which is acidic and polar, at codon 1083 of the POLD1 protein (p.Lys1083Glu). This variant is not present in population databases (gnomAD no frequency). This variant has not been reported in the literature in individuals affected with POLD1-related conditions. Algorithms developed to predict the effect of missense changes on protein structure and function are either unavailable or do not agree on the potential impact of this missense change (SIFT: "Tolerated"; PolyPhen-2: "Probably Damaging"; Align-GVGD: "Class C0"). In summary, the available evidence is currently insufficient to determine the role of this variant in disease. Therefore, it has been classified as a Variant of Uncertain Significance.

NM_002691.4(POLD1):c.3247A>G (p.Lys1083Glu)

Gene: POLD1 (DNA polymerase delta 1, catalytic subunit; plus strand). Cytogenetic location: 19q13.33.
Variant type: single nucleotide variant.
Coding change: c.3247A>G on transcript NM_002691.4 (MANE Select); coding-DNA position 3247, A replaced by G.
Protein change: p.Lys1083Glu; replaces lysine 1083 with glutamic acid.
Molecular consequence: missense variant. On other transcripts: non-coding transcript variant (1).
Genome position (GRCh38, 1-based): chr19:50,417,870, A>G. VCF-style: chr19-50417870-A-G. GRCh37 (hg19) VCF-style: chr19-50921127-A-G.
Other names: c.3247A>G, p.Lys1083Glu (NM_001256849.1); c.3325A>G, p.Lys1109Glu (NM_001308632.1); c.3247A>G (NM_002691.2); short protein forms K1083E, K1109E.
Identifiers: ClinVar variation 2178073 (VCV002178073.2), dbSNP rs200284426, ClinGen allele CA406987756.